The following is an entry in ClinVar:

ClinVar aggregate classification (germline): Pathogenic (1 of 4 stars; one submission).

Conditions:
Neurofibromatosis, type 1 (NF1). Also called: VON RECKLINGHAUSEN DISEASE; Neurofibromatosis, type I; Peripheral type neurofibromatosis; NEUROFIBROMATOSIS, TYPE I, SOMATIC. Identifiers: Orphanet 636, MedGen C0027831, MONDO:0018975, OMIM 162200. Disease mechanism: loss of function.

Submission:

Labcorp Genetics (formerly Invitae), Labcorp
Classification: Pathogenic for Neurofibromatosis, type 1. Last evaluated: 2023-02-08. Review status: criteria provided, single submitter. Criteria: Invitae Variant Classification Sherloc (09022015). Collection method: clinical testing. Allele origin: unknown.
Comment: This variant is a gross deletion of the genomic region encompassing exon(s) 3-35 of the NF1 gene. This deletion is out-of-frame, and is expected to create a premature termination codon and result in an absent or disrupted protein product. Loss-of-function variants in NF1 are known to be pathogenic (PMID: 10712197, 23913538). This variant has not been reported in the literature in individuals affected with NF1-related conditions. For these reasons, this variant has been classified as Pathogenic.

Literature cited by the submitters: PubMed 10712197; PubMed 23913538.

NC_000017.10:g.(?_29486008)_(29592377_?)del

Gene: NF1 (neurofibromin 1; plus strand). Cytogenetic location: 17q11.2.
Variant type: Deletion.
Identifiers: ClinVar variation 3242861 (VCV003242861.1).